The following is an entry in ClinVar:

NM_003060.4(SLC22A5):c.1403C>G (p.Thr468Arg)

Gene: SLC22A5 (solute carrier family 22 member 5; plus strand). Cytogenetic location: 5q31.1.
Variant type: single nucleotide variant.
Coding change: c.1403C>G on transcript NM_003060.4 (MANE Select); coding-DNA position 1403, C replaced by G.
Protein change: p.Thr468Arg; replaces threonine 468 with arginine.
Molecular consequence: missense variant.
Genome position (GRCh38, 1-based): chr5:132,392,568, C>G. VCF-style: chr5-132392568-C-G. GRCh37 (hg19) VCF-style: chr5-131728260-C-G.
Other names: c.1475C>G, p.Thr492Arg (NM_001308122.2); short protein forms T492R.
Identifiers: ClinVar variation 25424 (VCV000025424.59), dbSNP rs386134221, ClinGen allele CA342682.

ClinVar aggregate classification (germline): Pathogenic/Likely pathogenic. Review status: criteria provided, multiple submitters, no conflicts (2 of 4 stars). 7 submissions from 7 submitters: Pathogenic (4); Likely pathogenic (2). 1 of the submissions does not count toward it. Last evaluated 2025-10-31.

Conditions:
SLC22A5-related disorder. Also called: SLC22A5-related condition.
Renal carnitine transport defect (CDSP). Also called: Carnitine transporter deficiency; Carnitine Deficiency, Systemic; Primary carnitine deficiency; Systemic primary carnitine deficiency; CARNITINE DEFICIENCY, SYSTEMIC, DUE TO DEFECT IN RENAL REABSORPTION OF CARNITINE; CARNITINE TRANSPORTER, PLASMA-MEMBRANE, DEFICIENCY OF. Identifiers: Orphanet 158, MedGen C0342788, MONDO:0008919, OMIM 212140.

gnomAD v4.1: 34 of 1,614,196 alleles (0.0021%); highest among the groups gnomAD compares: Non-Finnish European, 0.0027%; no homozygotes.

Submissions (7):

Labcorp Genetics (formerly Invitae), Labcorp
Classification: Pathogenic for Renal carnitine transport defect. Last evaluated: 2025-10-31. Review status: criteria provided, single submitter. Criteria: Invitae Variant Classification Sherloc (09022015). Collection method: clinical testing. Allele origin: germline.
Comment: This sequence change replaces threonine, which is neutral and polar, with arginine, which is basic and polar, at codon 468 of the SLC22A5 protein (p.Thr468Arg). This variant is present in population databases (rs386134221, gnomAD 0.002%). This missense change has been observed in individual(s) with primary carnitine deficiency (PMID: 12210323, 15714519, 16652335). ClinVar contains an entry for this variant (Variation ID: 25424). Invitae Evidence Modeling of protein sequence and biophysical properties (such as structural, functional, and spatial information, amino acid conservation, physicochemical variation, residue mobility, and thermodynamic stability) indicates that this missense variant is expected to disrupt SLC22A5 protein function with a positive predictive value of 95%. Experimental studies have shown that this missense change affects SLC22A5 function (PMID: 15714519, 16652335). For these reasons, this variant has been classified as Pathogenic.

Baylor Genetics
Classification: Pathogenic for Renal carnitine transport defect. Last evaluated: 2023-04-20. Review status: criteria provided, single submitter. Criteria: ACMG Guidelines, 2015. Collection method: clinical testing. Allele origin: unknown.

Women's Health and Genetics/Laboratory Corporation of America, LabCorp
Classification: Pathogenic for Renal carnitine transport defect. Last evaluated: 2023-01-30. Review status: criteria provided, single submitter. Criteria: LabCorp Variant Classification Summary - May 2015. Collection method: clinical testing. Allele origin: germline.
Comment: Variant summary: SLC22A5 c.1403C>G (p.Thr468Arg) results in a non-conservative amino acid change in the encoded protein sequence. Three of five in-silico tools predict a damaging effect of the variant on protein function. The variant allele was found at a frequency of 8e-06 in 251472 control chromosomes. c.1403C>G has been reported in the literature in individuals affected with Systemic Primary Carnitine Deficiency (Lamhonwah_2002, Dobrowolski_2005, Frigeni_2017, Schiergens_2021). These data indicate that the variant is likely to be associated with disease. At least one publication reports experimental evidence evaluating an impact on protein function. The variant resulted in markedly reduced carnitine transport compared to the wild-type OCTN2 when stably transfected into CHO cells (Dobrowolski_2005, Frigeni_2017). Three clinical diagnostic laboratories have submitted clinical-significance assessments for this variant to ClinVar after 2014 without evidence for independent evaluation. All laboratories classified the variant as pathogenic/likely pathogenic. Based on the evidence outlined above, the variant was classified as pathogenic.

Genome-Nilou Lab
Classification: Likely pathogenic for Renal carnitine transport defect. Last evaluated: 2021-07-15. Review status: criteria provided, single submitter. Criteria: ACMG Guidelines, 2015. Collection method: clinical testing. Allele origin: germline. Affected: no.

Blueprint Genetics
Classification: Likely pathogenic for SLC22A5-related disorders. Last evaluated: 2019-09-11. Review status: criteria provided, single submitter. Criteria: ACMG Guidelines, 2015. Collection method: clinical testing. Allele origin: germline. Affected: yes. Observed: 1 variant allele.

CeGaT Center for Human Genetics Tuebingen
Classification: Pathogenic. Last evaluated: 2018-12-01. Review status: criteria provided, single submitter. Criteria: CeGaT Center For Human Genetics Tuebingen Variant Classification Criteria Version 2. Collection method: clinical testing. Allele origin: germline. Affected: yes. Observed: 1 variant allele.

Counsyl
Classification: Likely pathogenic for Renal carnitine transport defect. Last evaluated: 2014-08-06. Review status: no assertion criteria provided. Collection method: literature only. Allele origin: unknown. Inheritance: Autosomal recessive inheritance. Not counted in ClinVar's aggregate classification.

Literature cited by the submitters: PubMed 12210323 (cited by 3 submitters); PubMed 15714519 (cited by 3 submitters); PubMed 16652335 (cited by Labcorp Genetics (formerly Invitae), Labcorp and Counsyl); PubMed 28841266 (cited by Women's Health and Genetics/Laboratory Corporation of America, LabCorp); PubMed 34178604 (cited by Women's Health and Genetics/Laboratory Corporation of America, LabCorp).